The following is an entry in ClinVar:

ClinVar aggregate classification (germline): Uncertain significance (1 of 4 stars; one submission).

Allele frequency attached by ClinVar (database versions not stated): gnomAD 0.00001; ExAC 0.00002; ESP Exome Variant Server 0.00008; gnomAD exomes 0.00001; TOPMed 0.00002.
gnomAD v4.1: 12 of 1,613,322 alleles (0.00074%); highest among the groups gnomAD compares: East Asian, 0.0045%; no homozygotes.

Submission:

Labcorp Genetics (formerly Invitae), Labcorp
Classification: Uncertain significance. Last evaluated: 2022-10-25. Review status: criteria provided, single submitter. Criteria: Invitae Variant Classification Sherloc (09022015). Collection method: clinical testing. Allele origin: germline.
Comment: This sequence change replaces isoleucine, which is neutral and non-polar, with valine, which is neutral and non-polar, at codon 550 of the TTC37 protein (p.Ile550Val). This variant is present in population databases (rs373487176, gnomAD 0.002%). This variant has not been reported in the literature in individuals affected with TTC37-related conditions. ClinVar contains an entry for this variant (Variation ID: 1506789). Algorithms developed to predict the effect of missense changes on protein structure and function output the following: SIFT: "Tolerated"; PolyPhen-2: "Benign"; Align-GVGD: "Class C0". The valine amino acid residue is found in multiple mammalian species, which suggests that this missense change does not adversely affect protein function. In summary, the available evidence is currently insufficient to determine the role of this variant in disease. Therefore, it has been classified as a Variant of Uncertain Significance.

NM_014639.4(SKIC3):c.1648A>G (p.Ile550Val)

Gene: SKIC3 (SKI3 subunit of superkiller complex; minus strand). Cytogenetic location: 5q15.
Variant type: single nucleotide variant.
Coding change: c.1648A>G on transcript NM_014639.4 (MANE Select); coding-DNA position 1648, A replaced by G.
Protein change: p.Ile550Val; replaces isoleucine 550 with valine.
Molecular consequence: missense variant.
Genome position (GRCh38, 1-based): chr5:95,523,311, T>C on the plus strand (A>G on the coding strand, the complement: SKIC3 is on the minus strand). VCF-style: chr5-95523311-T-C. GRCh37 (hg19) VCF-style: chr5-94859015-T-C.
Other names: short protein forms I550V.
Identifiers: ClinVar variation 1506789 (VCV001506789.3), dbSNP rs373487176, ClinGen allele CA3347279.
Genomic context (GRCh38, chr5:95,523,311, plus strand): 5'-GCCTAAGCCAGGCCCATTTTGCCGTTCCAGCACTTGCCTTTTGAGTTACTGTTGTTAGGA[T>C]AGCTAAAGCCATTTCCTAATAATAAGAAAATACTAATATTAGATATATTGAACATTATAA-3'
Protein context (NP_055454.1, residues 540-560): ELEDMEMALA[Ile550Val]LTTVTQKASA